The following is an entry in ClinVar:

ClinVar aggregate classification (germline): Likely pathogenic. Review status: criteria provided, multiple submitters, no conflicts (2 of 4 stars). 2 submissions from 2 submitters: Likely pathogenic (2). Last evaluated 2025-08-28.

Conditions:
ALG6-congenital disorder of glycosylation 1C (CDG1C). Also called: CDG Ic; Congenital disorder of glycosylation, type Ic; Congenital disorder of glycosylation type 1C; CARBOHYDRATE-DEFICIENT GLYCOPROTEIN SYNDROME, TYPE I, WITH DEFICIENT GLYCOSYLATION OF DOLICHOL-LINKED OLIGOSACCHARIDE; CARBOHYDRATE-DEFICIENT GLYCOPROTEIN SYNDROME, TYPE V. Identifiers: Orphanet 79320, MedGen C2930997, MONDO:0011291, OMIM 603147.

Submissions (2):

Natera, Inc.
Classification: Likely pathogenic for Congenital disorder of glycosylation type 1c. Last evaluated: 2025-08-28. Review status: criteria provided, single submitter. Criteria: Natera Variant Classification Schema (03/2026). Collection method: clinical testing. Allele origin: germline.
Comment: The c.663del variant in ALG6 is a frameshift variant predicted to shift the reading frame beginning at codon 222 and leads to a stop codon 10 codons downstream. This variant is expected to result in nonsense mediated decay, truncation, or a dysfunctional protein product. This variant is rare in the general population with a frequency below the threshold expected for the associated phenotype(s). Given the available evidence, this variant is classified as Likely Pathogenic.

Baylor Genetics
Classification: Likely pathogenic for ALG6-congenital disorder of glycosylation 1C. Last evaluated: 2023-03-08. Review status: criteria provided, single submitter. Criteria: ACMG Guidelines, 2015. Collection method: clinical testing. Allele origin: unknown.

NM_013339.4(ALG6):c.663del (p.Gly222fs)

Gene: ALG6 (ALG6 alpha-1,3-glucosyltransferase; plus strand). Cytogenetic location: 1p31.3.
Variant type: Deletion.
Coding change: c.663del on transcript NM_013339.4 (MANE Select); coding-DNA position 663, one base deleted (A; older notation c.663delA).
Protein change: p.Gly222fs; shifts the reading frame from glycine 222.
Molecular consequence: frameshift variant.
Genome position (GRCh38, 1-based): chr1:63,411,314, A deleted; the last of 6 consecutive A bases (chr1:63,411,309-63,411,314); deleting any one gives the same sequence. VCF-style (leftmost placement, unchanged base first): chr1-63411308-TA-T. GRCh37 (hg19) VCF-style: chr1-63876979-TA-T.
Other names: c.663del (NM_013339.3); short protein forms G222fs.
Identifiers: ClinVar variation 2675691 (VCV002675691.2), dbSNP rs964851138, ClinGen allele CA23806590.